The following is an entry in ClinVar:

ClinVar aggregate classification (germline): Conflicting classifications of pathogenicity. Review status: criteria provided, conflicting classifications (1 of 4 stars). 4 submissions from 4 submitters: Uncertain significance (1); Benign (1); Likely benign (2). Last evaluated 2026-09-23.

Conditions:
Hereditary cancer-predisposing syndrome. Also called: Hereditary Cancer Syndrome; Tumor predisposition; Hereditary neoplastic syndrome; Neoplastic Syndromes, Hereditary. Identifiers: Orphanet 140162, MedGen C0027672, MeSH D009386, MONDO:0015356.
Neurofibromatosis, type 1 (NF1). Also called: Peripheral type neurofibromatosis; Neurofibromatosis, type I; VON RECKLINGHAUSEN DISEASE; NEUROFIBROMATOSIS, TYPE I, SOMATIC. Identifiers: Orphanet 636, MedGen C0027831, MONDO:0018975, OMIM 162200. Disease mechanism: loss of function.

Allele frequency attached by ClinVar (database versions not stated): gnomAD 0.00001; TOPMed below 0.00001; ExAC 0.00001; gnomAD exomes below 0.00001.
gnomAD v4.1: 3 of 1,613,856 alleles (0.00019%); highest among the groups gnomAD compares: Non-Finnish European, 0.00025%; no homozygotes.

Submissions (4):

Myriad Genetics, Inc.
Classification: Benign for Neurofibromatosis, type 1. Last evaluated: 2026-09-23. Review status: criteria provided, single submitter. Criteria: Myriad Autosomal Dominant, Autosomal Recessive and X-Linked Classification Criteria (2023). Collection method: clinical testing. Allele origin: unknown.
Comment: This variant is considered benign. This variant is a silent/synonymous amino acid change and it is not expected to impact splicing.

Labcorp Genetics (formerly Invitae), Labcorp
Classification: Likely benign for Neurofibromatosis, type 1. Last evaluated: 2025-09-02. Review status: criteria provided, single submitter. Criteria: Invitae Variant Classification Sherloc (09022015). Collection method: clinical testing. Allele origin: germline.

Sema4
Classification: Uncertain significance for Hereditary cancer-predisposing syndrome. Last evaluated: 2022-02-16. Review status: criteria provided, single submitter. Criteria: Sema4 Curation Guidelines. Collection method: curation. Allele origin: germline.
Comment: The NF1 c.6609G>A (p.K2203K) variant has not been reported in the literature to our knowledge. This variant was observed in 1/251324 chromosomes across all populations, in the large and broad cohorts of the Genome Aggregation Database (PMID: 32461654). The variant has been reported in ClinVar (Variation ID: 230228). The nucleotide is weakly conserved an in silico tools suggest that the variant does not have an impact on splicing, though these predictions have not been confirmed by functional studies. There is no indication that this variant causes disease, but the evidence is insufficient currently to prove that conclusively. Thus, the clinical significance of this variant is currently uncertain.

Ambry Genetics
Classification: Likely benign for Hereditary cancer-predisposing syndrome. Last evaluated: 2015-01-23. Review status: criteria provided, single submitter. Criteria: Ambry Autosomal Dominant and X-Linked criteria (10/2015). Collection method: clinical testing. Allele origin: germline. Observed: 1 variant allele.

NM_001042492.3(NF1):c.6672G>A (p.Lys2224=)

Gene: NF1 (neurofibromin 1; plus strand). Cytogenetic location: 17q11.2.
Variant type: single nucleotide variant.
Coding change: c.6672G>A on transcript NM_001042492.3 (MANE Select); coding-DNA position 6672, G replaced by A.
Protein change: p.Lys2224=; no amino-acid change (lysine 2224 retained).
Molecular consequence: synonymous variant.
Genome position (GRCh38, 1-based): chr17:31,337,848, G>A. VCF-style: chr17-31337848-G-A. GRCh37 (hg19) VCF-style: chr17-29664866-G-A.
Other names: c.6609G>A, p.Lys2203= (NM_000267.4).
Identifiers: ClinVar variation 230228 (VCV000230228.15), dbSNP rs771835288, ClinGen allele CA8487396.
Genomic context (GRCh38, chr17:31,337,848, plus strand): 5'-CAATATGTATTCAGAGTATCCCCTTTTTTAGGCATGCATGAGAGATATTCCAACGTGCAA[G>A]TGGCTGGACCAGTGGACAGAACTAGCTCAAAGGTATGTCCTAAATTAAATATAAGTTGTA-3'
Protein context (NP_001035957.1, residues 2214-2234): EACMRDIPTC[Lys2224=]WLDQWTELAQ